The following is an entry in ClinVar:

ClinVar aggregate classification (germline): Pathogenic (1 of 4 stars; one submission).

Conditions:
Developmental and epileptic encephalopathy, 12 (DEE12). Identifiers: MedGen C3150988, MONDO:0013389, OMIM 613722.

Submission:

Labcorp Genetics (formerly Invitae), Labcorp
Classification: Pathogenic for Developmental and epileptic encephalopathy, 12. Last evaluated: 2021-06-24. Review status: criteria provided, single submitter. Criteria: Invitae Variant Classification Sherloc (09022015). Collection method: clinical testing. Allele origin: germline.
Comment: This sequence change creates a premature translational stop signal (p.Lys889Argfs*14) in the PLCB1 gene. It is expected to result in an absent or disrupted protein product. Loss-of-function variants in PLCB1 are known to be pathogenic (PMID: 24684524). This variant is not present in population databases (ExAC no frequency). This variant has not been reported in the literature in individuals with PLCB1-related conditions. For these reasons, this variant has been classified as Pathogenic.

Literature cited by the submitters: PubMed 24684524.

NM_015192.4(PLCB1):c.2666del (p.Lys889fs)

Gene: PLCB1 (phospholipase C beta 1; plus strand). Cytogenetic location: 20p12.3.
Variant type: Deletion.
Coding change: c.2666del on transcript NM_015192.4 (MANE Select); coding-DNA position 2666, one base deleted (A; older notation c.2666delA).
Protein change: p.Lys889fs; shifts the reading frame from lysine 889.
Molecular consequence: frameshift variant.
Genome position (GRCh38, 1-based): chr20:8,760,416, A deleted; the last of 3 consecutive A bases (chr20:8,760,414-8,760,416); deleting any one gives the same sequence. VCF-style (leftmost placement, unchanged base first): chr20-8760413-TA-T. GRCh37 (hg19) VCF-style: chr20-8741060-TA-T.
Other names: c.2666del, p.Lys889fs (NM_182734.3); short protein forms K889fs.
Identifiers: ClinVar variation 1435065 (VCV001435065.6), dbSNP rs1981959745, ClinGen allele CA2349037115.
Genomic context (GRCh38, chr20:8,760,413, plus strand): 5'-AGAATAAAATTTAAAAAGTTGAAGAGGCTATTTATTTTATCTTTTATATTACAGGTTCTG[TA>T]AAGGCACCTGCCAAAACAGAAGATCTTATTCAGAGTGTCTTAACAGGTAAATGCCACCCT-3'